The following is an entry in ClinVar:

ClinVar aggregate classification (germline): Uncertain significance. Review status: criteria provided, multiple submitters, no conflicts (2 of 4 stars). 9 submissions from 9 submitters: Uncertain significance (8). 1 of the submissions does not count toward it. Last evaluated 2024-11-01.

Conditions:
Inborn genetic diseases. Identifiers: MedGen C0950123, MeSH D030342.
Hereditary spastic paraplegia 49 (HSAN9). Also called: TECPR2-Related Hereditary Sensory and Autonomic Neuropathy with Intellectual Disability; NEUROPATHY, HEREDITARY SENSORY AND AUTONOMIC, TYPE IX, WITH DEVELOPMENTAL DELAY; Spastic paraplegia 49, autosomal recessive. Identifiers: Orphanet 320385, MedGen C5190860, MONDO:0014016, OMIM 615031.
Hereditary spastic paraplegia. Also called: Familial spastic paraparesis. Identifiers: Orphanet 685, MedGen C0037773, MONDO:0019064. Disease mechanism: loss of function.

Allele frequency attached by ClinVar (database versions not stated): ExAC 0.00015; ESP Exome Variant Server 0.00015; 1000 Genomes Project 0.00020; 1000 Genomes Project 30x 0.00031; gnomAD 0.00011 and 0.00012; TOPMed 0.00011; gnomAD exomes 0.00013.
gnomAD v4.1: 189 of 1,614,080 alleles (0.012%); highest among the groups gnomAD compares: Middle Eastern, 0.45%; no homozygotes.

Submissions (9):

Blueprint Genetics
Classification: Uncertain significance. Last evaluated: 2024-11-01. Review status: criteria provided, single submitter. Criteria: ACMG Guidelines, 2015. Collection method: clinical testing. Allele origin: germline.

CeGaT Center for Human Genetics Tuebingen
Classification: Uncertain significance. Last evaluated: 2024-11-01. Review status: criteria provided, single submitter. Criteria: CeGaT Center For Human Genetics Tuebingen Variant Classification Criteria Version 2. Collection method: clinical testing. Allele origin: germline. Affected: yes. Observed: 1 variant allele.
Comment: TECPR2: PM2:Supporting

Labcorp Genetics (formerly Invitae), Labcorp
Classification: Uncertain significance for Hereditary spastic paraplegia 49. Last evaluated: 2022-08-23. Review status: criteria provided, single submitter. Criteria: Invitae Variant Classification Sherloc (09022015). Collection method: clinical testing. Allele origin: germline.
Comment: This sequence change replaces arginine, which is basic and polar, with histidine, which is basic and polar, at codon 273 of the TECPR2 protein (p.Arg273His). This variant is present in population databases (rs144069125, gnomAD 0.03%). This variant has not been reported in the literature in individuals affected with TECPR2-related conditions. ClinVar contains an entry for this variant (Variation ID: 964805). Algorithms developed to predict the effect of missense changes on protein structure and function (SIFT, PolyPhen-2, Align-GVGD) all suggest that this variant is likely to be tolerated. In summary, the available evidence is currently insufficient to determine the role of this variant in disease. Therefore, it has been classified as a Variant of Uncertain Significance.

Fulgent Genetics
Classification: Uncertain significance for Hereditary spastic paraplegia 49. Last evaluated: 2021-07-15. Review status: criteria provided, single submitter. Criteria: ACMG Guidelines, 2015. Collection method: clinical testing. Allele origin: unknown.

Ambry Genetics
Classification: Uncertain significance for Inborn genetic diseases. Last evaluated: 2021-07-14. Review status: criteria provided, single submitter. Criteria: Ambry Variant Classification Scheme 2023. Collection method: clinical testing. Allele origin: germline.

Baylor Genetics
Classification: Uncertain significance for Hereditary spastic paraplegia 49. Last evaluated: 2020-05-05. Review status: criteria provided, single submitter. Criteria: ACMG Guidelines, 2015. Collection method: clinical testing. Allele origin: unknown. Affected: yes.
Comment: This variant was determined to be of uncertain significance according to ACMG Guidelines, 2015 [PMID:25741868].

Genome Diagnostics Laboratory, The Hospital for Sick Children
Classification: Uncertain significance for Hereditary spastic paraplegia. Last evaluated: 2019-05-01. Review status: criteria provided, single submitter. Criteria: ACMG Guidelines, 2015. Collection method: clinical testing. Allele origin: germline. Affected: yes.

Breakthrough Genomics
Classification: Uncertain significance. Review status: criteria provided, single submitter. Criteria: ACMG Guidelines, 2015. Collection method: not provided. Allele origin: germline. Inheritance: Autosomal recessive inheritance. Affected: yes.

Natera, Inc.
Classification: Uncertain significance for Autosomal recessive spastic paraplegia type 49. Last evaluated: 2019-12-09. Review status: no assertion criteria provided. Collection method: clinical testing. Allele origin: germline. Not counted in ClinVar's aggregate classification.

Literature cited by the submitters: PubMed 32657593 (cited by Ambry Genetics).

NM_014844.5(TECPR2):c.818G>A (p.Arg273His)

Gene: TECPR2 (tectonin beta-propeller repeat containing 2; plus strand). Cytogenetic location: 14q32.31.
Variant type: single nucleotide variant.
Coding change: c.818G>A on transcript NM_014844.5 (MANE Select); coding-DNA position 818, G replaced by A.
Protein change: p.Arg273His; replaces arginine 273 with histidine.
Molecular consequence: missense variant.
Genome position (GRCh38, 1-based): chr14:102,425,158, G>A. VCF-style: chr14-102425158-G-A. GRCh37 (hg19) VCF-style: chr14-102891495-G-A.
Other names: c.818G>A, p.Arg273His (NM_001172631.3); c.818G>A (NM_014844.4); short protein forms R273H.
Identifiers: ClinVar variation 964805 (VCV000964805.29), dbSNP rs144069125, ClinGen allele CA7357533.